The following is an entry in ClinVar:

NM_005051.3(QARS1):c.832A>G (p.Ile278Val)

Gene: QARS1 (glutaminyl-tRNA synthetase 1; minus strand). Cytogenetic location: 3p21.31.
Variant type: single nucleotide variant.
Coding change: c.832A>G on transcript NM_005051.3 (MANE Select); coding-DNA position 832, A replaced by G.
Protein change: p.Ile278Val; replaces isoleucine 278 with valine.
Molecular consequence: missense variant. On other transcripts: non-coding transcript variant (1).
Genome position (GRCh38, 1-based): chr3:49,101,399, T>C on the plus strand (A>G on the coding strand, the complement: QARS1 is on the minus strand). VCF-style: chr3-49101399-T-C. GRCh37 (hg19) VCF-style: chr3-49138832-T-C.
Other names: c.799A>G, p.Ile267Val (NM_001272073.2); c.832A>G (NM_005051.1); short protein forms I267V, I278V.
Identifiers: ClinVar variation 2073202 (VCV002073202.2), dbSNP rs753555653, ClinGen allele CA2391995.

ClinVar aggregate classification (germline): Uncertain significance. Review status: criteria provided, multiple submitters, no conflicts (2 of 4 stars). 2 submissions from 2 submitters: Uncertain significance (2). Last evaluated 2024-04-27.

Conditions:
Inborn genetic diseases. Identifiers: MedGen C0950123, MeSH D030342.
Diffuse cerebral and cerebellar atrophy - intractable seizures - progressive microcephaly syndrome. Also called: Microcephaly, progressive, with seizures and cerebral and cerebellar atrophy. Identifiers: Orphanet 404437, MedGen C4014239, MONDO:0014335, OMIM 615760.

Allele frequency attached by ClinVar (database versions not stated): ExAC 0.00001; gnomAD 0.00001; gnomAD exomes 0.00001; TOPMed 0.00001.
gnomAD v4.1: 14 of 1,613,976 alleles (0.00087%); highest among the groups gnomAD compares: Middle Eastern, 0.016%; no homozygotes.

Submissions (2):

Ambry Genetics
Classification: Uncertain significance for Inborn genetic diseases. Last evaluated: 2024-04-27. Review status: criteria provided, single submitter. Criteria: Ambry Variant Classification Scheme 2023. Collection method: clinical testing. Allele origin: germline.

Labcorp Genetics (formerly Invitae), Labcorp
Classification: Uncertain significance for Diffuse cerebral and cerebellar atrophy - intractable seizures - progressive microcephaly syndrome. Last evaluated: 2021-08-14. Review status: criteria provided, single submitter. Criteria: Invitae Variant Classification Sherloc (09022015). Collection method: clinical testing. Allele origin: germline.
Comment: This sequence change replaces isoleucine with valine at codon 278 of the QARS protein (p.Ile278Val). The isoleucine residue is highly conserved and there is a small physicochemical difference between isoleucine and valine. This variant is present in population databases (rs753555653, ExAC 0.002%). This variant has not been reported in the literature in individuals affected with QARS-related conditions. Algorithms developed to predict the effect of missense changes on protein structure and function are either unavailable or do not agree on the potential impact of this missense change (SIFT: "Deleterious"; PolyPhen-2: "Not Available"; Align-GVGD: "Class C25"). In summary, the available evidence is currently insufficient to determine the role of this variant in disease. Therefore, it has been classified as a Variant of Uncertain Significance.